The following is an entry in ClinVar:

NM_000075.4(CDK4):c.730C>T (p.Leu244=)

Genes: CDK4 (cyclin dependent kinase 4; minus strand), TSPAN31 (tetraspanin 31; plus strand). Cytogenetic location: 12q14.1.
Variant type: single nucleotide variant.
Coding change: c.730C>T on transcript NM_000075.4 (MANE Select); coding-DNA position 730, C replaced by T.
Protein change: p.Leu244=; no amino-acid change (leucine 244 retained).
Molecular consequence: synonymous variant. On other transcripts: 3 prime UTR variant (3).
Genome position (GRCh38, 1-based): chr12:57,749,271, G>A on the plus strand (C>T on the coding strand, the complement: CDK4 is on the minus strand). VCF-style: chr12-57749271-G-A. GRCh37 (hg19) VCF-style: chr12-58143054-G-A.
Other names: c.*1981G>A (NM_001330168.2, NM_001330169.2, NM_005981.5).
Identifiers: ClinVar variation 1627681 (VCV001627681.9), dbSNP rs2140382971, ClinGen allele CA480300203.

ClinVar aggregate classification (germline): Benign/Likely benign. Review status: criteria provided, multiple submitters, no conflicts (2 of 4 stars). 2 submissions from 2 submitters: Benign (1); Likely benign (1). Last evaluated 2024-09-26.

Conditions:
Familial melanoma. Also called: Hereditary cutaneous melanoma; Hereditary melanoma. Identifiers: Orphanet 618, MedGen C1512419, MONDO:0018961.
Melanoma, cutaneous malignant, susceptibility to, 3. Also called: Cutaneous malignant melanoma 3. Identifiers: Orphanet 618, MedGen C1836892, MONDO:0012183, OMIM 609048.

Submissions (2):

Myriad Genetics, Inc.
Classification: Benign for Melanoma, cutaneous malignant, susceptibility to, 3. Last evaluated: 2024-09-26. Review status: criteria provided, single submitter. Criteria: Myriad Autosomal Dominant, Autosomal Recessive and X-Linked Classification Criteria (2023). Collection method: clinical testing. Allele origin: unknown.
Comment: This variant is considered benign. This variant is a silent/synonymous amino acid change and it is not expected to impact splicing.

Labcorp Genetics (formerly Invitae), Labcorp
Classification: Likely benign for Familial melanoma. Last evaluated: 2024-06-21. Review status: criteria provided, single submitter. Criteria: Invitae Variant Classification Sherloc (09022015). Collection method: clinical testing. Allele origin: germline.